The following is an entry in ClinVar:

NM_014283.5(SUCO):c.2672T>G (p.Leu891Trp)

Gene: SUCO (SUN domain containing ossification factor; plus strand). Cytogenetic location: 1q24.3.
Variant type: single nucleotide variant.
Coding change: c.2672T>G on transcript NM_014283.5 (MANE Select); coding-DNA position 2672, T replaced by G.
Protein change: p.Leu891Trp; replaces leucine 891 with tryptophan.
Molecular consequence: missense variant. On other transcripts: intron variant (1).
Genome position (GRCh38, 1-based): chr1:172,589,773, T>G. VCF-style: chr1-172589773-T-G. GRCh37 (hg19) VCF-style: chr1-172558913-T-G.
Other names: c.983T>G, p.Leu328Trp (NM_001282751.2); c.3125T>G, p.Leu1042Trp (NM_016227.4); c.1712+849T>G (NM_001282750.2); short protein forms L1042W, L891W, L328W.
Identifiers: ClinVar variation 2981946 (VCV002981946.3), dbSNP rs1162207259, ClinGen allele CA343744829.

ClinVar aggregate classification (germline): Uncertain significance (1 of 4 stars; one submission).

Allele frequency attached by ClinVar (database versions not stated): gnomAD exomes below 0.00001; gnomAD 0.00001; TOPMed 0.00001.
gnomAD v4.1: 5 of 1,612,096 alleles (0.00031%); highest among the groups gnomAD compares: Non-Finnish European, 0.00042%; no homozygotes.

Submission:

Labcorp Genetics (formerly Invitae), Labcorp
Classification: Uncertain significance. Last evaluated: 2023-06-16. Review status: criteria provided, single submitter. Criteria: Invitae Variant Classification Sherloc (09022015). Collection method: clinical testing. Allele origin: germline.
Comment: In summary, the available evidence is currently insufficient to determine the role of this variant in disease. Therefore, it has been classified as a Variant of Uncertain Significance. An algorithm developed to predict the effect of missense changes on protein structure and function (PolyPhen-2) suggests that this variant is likely to be disruptive. This variant has not been reported in the literature in individuals affected with SUCO-related conditions. This variant is present in population databases (no rsID available, gnomAD 0.0009%). This sequence change replaces leucine, which is neutral and non-polar, with tryptophan, which is neutral and slightly polar, at codon 891 of the SUCO protein (p.Leu891Trp).